The following is an entry in ClinVar:

NM_145038.5(DRC1):c.1647C>G (p.Phe549Leu)

Gene: DRC1 (dynein regulatory complex subunit 1; plus strand). Cytogenetic location: 2p23.3.
Variant type: single nucleotide variant.
Coding change: c.1647C>G on transcript NM_145038.5 (MANE Select); coding-DNA position 1647, C replaced by G.
Protein change: p.Phe549Leu; replaces phenylalanine 549 with leucine.
Molecular consequence: missense variant.
Genome position (GRCh38, 1-based): chr2:26,450,639, C>G. VCF-style: chr2-26450639-C-G. GRCh37 (hg19) VCF-style: chr2-26673507-C-G.
Other names: short protein forms F549L.
Identifiers: ClinVar variation 937343 (VCV000937343.1), dbSNP rs371052653, ClinGen allele CA1562351.

ClinVar aggregate classification (germline): Uncertain significance (1 of 4 stars; one submission).

Conditions:
Primary ciliary dyskinesia. Also called: Ciliary dyskinesia. Identifiers: Orphanet 244, MedGen C0008780, MONDO:0016575, HP:0012265.

Allele frequency attached by ClinVar (database versions not stated): TOPMed 0.00002; gnomAD 0.00003; ESP Exome Variant Server 0.00008.
gnomAD v4.1: 80 of 1,611,006 alleles (0.005%); highest among the groups gnomAD compares: Non-Finnish European, 0.0064%; no homozygotes.

Submission:

Labcorp Genetics (formerly Invitae), Labcorp
Classification: Uncertain significance for Primary ciliary dyskinesia. Last evaluated: 2019-06-24. Review status: criteria provided, single submitter. Criteria: Invitae Variant Classification Sherloc (09022015). Collection method: clinical testing. Allele origin: germline.
Comment: This sequence change replaces phenylalanine with leucine at codon 549 of the DRC1 protein (p.Phe549Leu). The phenylalanine residue is highly conserved and there is a small physicochemical difference between phenylalanine and leucine. This variant is present in population databases (rs371052653, ExAC 0.01%). This variant has not been reported in the literature in individuals with DRC1-related conditions. Algorithms developed to predict the effect of missense changes on protein structure and function (SIFT, PolyPhen-2, Align-GVGD) all suggest that this variant is likely to be tolerated, but these predictions have not been confirmed by published functional studies and their clinical significance is uncertain. In summary, the available evidence is currently insufficient to determine the role of this variant in disease. Therefore, it has been classified as a Variant of Uncertain Significance.